The following is an entry in ClinVar:

NM_001440.4(EXTL3):c.467C>T (p.Pro156Leu)

Gene: EXTL3 (exostosin like glycosyltransferase 3; plus strand). Cytogenetic location: 8p21.1.
Variant type: single nucleotide variant.
Coding change: c.467C>T on transcript NM_001440.4 (MANE Select); coding-DNA position 467, C replaced by T.
Protein change: p.Pro156Leu; replaces proline 156 with leucine.
Molecular consequence: missense variant.
Genome position (GRCh38, 1-based): chr8:28,716,526, C>T. VCF-style: chr8-28716526-C-T. GRCh37 (hg19) VCF-style: chr8-28574043-C-T.
Other names: short protein forms P156L.
Identifiers: ClinVar variation 2839175 (VCV002839175.3), dbSNP rs966098930, ClinGen allele CA370856383.

ClinVar aggregate classification (germline): Uncertain significance (1 of 4 stars; one submission).

Submission:

Labcorp Genetics (formerly Invitae), Labcorp
Classification: Uncertain significance. Last evaluated: 2024-10-07. Review status: criteria provided, single submitter. Criteria: Invitae Variant Classification Sherloc (09022015). Collection method: clinical testing. Allele origin: germline.
Comment: This sequence change replaces proline, which is neutral and non-polar, with leucine, which is neutral and non-polar, at codon 156 of the EXTL3 protein (p.Pro156Leu). This variant is not present in population databases (gnomAD no frequency). This variant has not been reported in the literature in individuals affected with EXTL3-related conditions. Invitae Evidence Modeling of protein sequence and biophysical properties (such as structural, functional, and spatial information, amino acid conservation, physicochemical variation, residue mobility, and thermodynamic stability) has been performed for this missense variant. However, the output from this modeling did not meet the statistical confidence thresholds required to predict the impact of this variant on EXTL3 protein function. In summary, the available evidence is currently insufficient to determine the role of this variant in disease. Therefore, it has been classified as a Variant of Uncertain Significance.